The following is an entry in ClinVar:

NM_001365999.1(SZT2):c.9172G>A (p.Val3058Met)

Gene: SZT2 (SZT2 subunit of KICSTOR complex; plus strand). Cytogenetic location: 1p34.2.
Variant type: single nucleotide variant.
Coding change: c.9172G>A on transcript NM_001365999.1 (MANE Select); coding-DNA position 9172, G replaced by A.
Protein change: p.Val3058Met; replaces valine 3058 with methionine.
Molecular consequence: missense variant.
Genome position (GRCh38, 1-based): chr1:43,447,054, G>A. VCF-style: chr1-43447054-G-A. GRCh37 (hg19) VCF-style: chr1-43912725-G-A.
Other names: c.9001G>A, p.Val3001Met (NM_015284.4); short protein forms V3001M, V3058M.
Identifiers: ClinVar variation 842835 (VCV000842835.12), dbSNP rs143959495, ClinGen allele CA810838.

ClinVar aggregate classification (germline): Uncertain significance. Review status: criteria provided, multiple submitters, no conflicts (2 of 4 stars). 5 submissions from 5 submitters: Uncertain significance (5). Last evaluated 2024-10-22.

Conditions:
Inborn genetic diseases. Identifiers: MedGen C0950123, MeSH D030342.
Developmental and epileptic encephalopathy, 18 (DEE18). Also called: Early infantile epileptic encephalopathy 18. Identifiers: Orphanet 369894, MedGen C3809624, MONDO:0014201, OMIM 615476.

Allele frequency attached by ClinVar (database versions not stated): ExAC 0.00013; ESP Exome Variant Server 0.00015; 1000 Genomes Project 30x 0.00016; 1000 Genomes Project 0.00020; TOPMed 0.00021; gnomAD 0.00023 and 0.00024; gnomAD exomes 0.00010.
gnomAD v4.1: 76 of 1,613,910 alleles (0.0047%); highest among the groups gnomAD compares: African/African-American, 0.075%; no homozygotes.

Submissions (5):

Ambry Genetics
Classification: Uncertain significance for Inborn genetic diseases. Last evaluated: 2024-10-22. Review status: criteria provided, single submitter. Criteria: Ambry Variant Classification Scheme 2023. Collection method: clinical testing. Allele origin: germline.

GeneDx
Classification: Uncertain significance. Last evaluated: 2024-07-11. Review status: criteria provided, single submitter. Criteria: GeneDx Variant Classification Process June 2021. Collection method: clinical testing. Allele origin: germline. Affected: yes.
Comment: Has not been previously published as pathogenic or benign to our knowledge; In silico analysis indicates that this missense variant does not alter protein structure/function

Genome-Nilou Lab
Classification: Uncertain significance for Developmental and epileptic encephalopathy, 18. Last evaluated: 2023-04-11. Review status: criteria provided, single submitter. Criteria: ACMG Guidelines, 2015. Collection method: clinical testing. Allele origin: germline. Affected: no.

Women's Health and Genetics/Laboratory Corporation of America, LabCorp
Classification: Uncertain significance. Last evaluated: 2023-02-25. Review status: criteria provided, single submitter. Criteria: LabCorp Variant Classification Summary - May 2015. Collection method: clinical testing. Allele origin: germline.
Comment: Variant summary: SZT2 (C1orf84) c.9001G>A (p.Val3001Met) results in a conservative amino acid change in the encoded protein sequence. Four of five in-silico tools predict a benign effect of the variant on protein function. The variant allele was found at a frequency of 0.00011 in 282156 control chromosomes (gnomAD). To our knowledge, no occurrence of c.9001G>A in individuals affected with Early Infantile Epileptic Encephalopathy 18 and no experimental evidence demonstrating its impact on protein function have been reported. Three ClinVar submitters have assessed the variant since 2014: all three classified the variant as uncertain significance. Based on the evidence outlined above, the variant was classified as uncertain significance.

Labcorp Genetics (formerly Invitae), Labcorp
Classification: Uncertain significance. Last evaluated: 2022-08-16. Review status: criteria provided, single submitter. Criteria: Invitae Variant Classification Sherloc (09022015). Collection method: clinical testing. Allele origin: germline.
Comment: This sequence change replaces valine, which is neutral and non-polar, with methionine, which is neutral and non-polar, at codon 3001 of the SZT2 protein (p.Val3001Met). This variant is present in population databases (rs143959495, gnomAD 0.09%). This variant has not been reported in the literature in individuals affected with SZT2-related conditions. ClinVar contains an entry for this variant (Variation ID: 842835). Algorithms developed to predict the effect of missense changes on protein structure and function are either unavailable or do not agree on the potential impact of this missense change (SIFT: "Tolerated"; PolyPhen-2: "Probably Damaging"; Align-GVGD: "Class C0"). In summary, the available evidence is currently insufficient to determine the role of this variant in disease. Therefore, it has been classified as a Variant of Uncertain Significance.